The following is an entry in ClinVar:

NM_000455.5(STK11):c.869T>C (p.Leu290Pro)

Gene: STK11 (serine/threonine kinase 11; plus strand). Cytogenetic location: 19p13.3.
Variant type: single nucleotide variant.
Coding change: c.869T>C on transcript NM_000455.5 (MANE Select); coding-DNA position 869, T replaced by C.
Protein change: p.Leu290Pro; replaces leucine 290 with proline.
Molecular consequence: missense variant.
Genome position (GRCh38, 1-based): chr19:1,221,955, T>C. VCF-style: chr19-1221955-T-C. GRCh37 (hg19) VCF-style: chr19-1221954-T-C.
Other names: short protein forms L290P.
Identifiers: ClinVar variation 392308 (VCV000392308.57), dbSNP rs1057524439, ClinGen allele CA16608838.

ClinVar aggregate classification (germline): Conflicting classifications of pathogenicity. Review status: criteria provided, conflicting classifications (1 of 4 stars). 6 submissions from 6 submitters: Pathogenic (1); Likely pathogenic (4); Uncertain significance (1). Last evaluated 2025-08-08.

Conditions:
Peutz-Jeghers syndrome (PJS). Also called: Peutz-Jeghers polyposis; Periorificial lentiginosis syndrome; POLYPOSIS, HAMARTOMATOUS INTESTINAL; POLYPS-AND-SPOTS SYNDROME. Identifiers: Orphanet 2869, MedGen C0031269, MeSH D010580, MONDO:0008280, OMIM 175200.
Hereditary cancer-predisposing syndrome. Also called: Neoplastic Syndromes, Hereditary; Hereditary neoplastic syndrome; Tumor predisposition; Hereditary Cancer Syndrome. Identifiers: Orphanet 140162, MedGen C0027672, MeSH D009386, MONDO:0015356.

Submissions (6):

Ambry Genetics
Classification: Pathogenic for Hereditary cancer-predisposing syndrome. Last evaluated: 2025-08-08. Review status: criteria provided, single submitter. Criteria: Ambry Variant Classification Scheme 2023. Collection method: clinical testing. Allele origin: germline.
Comment: The p.L290P pathogenic mutation (also known as c.869T>C), located in coding exon 7 of the STK11 gene, results from a T to C substitution at nucleotide position 869. The leucine at codon 290 is replaced by proline, an amino acid with similar properties. This variant was reported in individual(s) with features consistent with Peutz-Jeghers syndrome (Schneider C et al. J Clin Oncol, 2012 May;30:e140-3; Li R et al. Oncol Lett, 2018 Jan;15:717-726; Ambry internal data). This amino acid position is highly conserved in available vertebrate species. This variant is considered to be rare based on population cohorts in the Genome Aggregation Database (gnomAD). In addition, this alteration is predicted to be deleterious by in silico analysis. Based on the supporting evidence, this variant is interpreted as a disease-causing mutation.

Myriad Genetics, Inc.
Classification: Likely pathogenic for Peutz-Jeghers syndrome. Last evaluated: 2024-04-30. Review status: criteria provided, single submitter. Criteria: Myriad Autosomal Dominant, Autosomal Recessive and X-Linked Classification Criteria (2023). Collection method: clinical testing. Allele origin: unknown.
Comment: This variant is considered likely pathogenic. This variant is expected to disrupt protein structure [Myriad internal data]. This variant has been reported in multiple individuals with clinical features of gene-specific disease [PMID: 22493416, 29399144, 34754157].

Genome-Nilou Lab
Classification: Likely pathogenic for Peutz-Jeghers syndrome. Last evaluated: 2021-07-15. Review status: criteria provided, single submitter. Criteria: ACMG Guidelines, 2015. Collection method: clinical testing. Allele origin: germline. Affected: no.

GeneDx
Classification: Likely pathogenic. Last evaluated: 2020-08-21. Review status: criteria provided, single submitter. Criteria: GeneDx Variant Classification Process June 2021. Collection method: clinical testing. Allele origin: germline. Affected: yes.
Comment: Not observed in large population cohorts (Lek et al., 2016); In silico analysis supports that this missense variant has a deleterious effect on protein structure/function; This variant is associated with the following publications: (PMID: 30793491, 29399144)

CeGaT Center for Human Genetics Tuebingen
Classification: Likely pathogenic. Last evaluated: 2020-07-01. Review status: criteria provided, single submitter. Criteria: CeGaT Center For Human Genetics Tuebingen Variant Classification Criteria Version 2. Collection method: clinical testing. Allele origin: germline. Affected: yes. Observed: 2 variant alleles.

Labcorp Genetics (formerly Invitae), Labcorp
Classification: Uncertain significance for Peutz-Jeghers syndrome. Last evaluated: 2020-05-21. Review status: criteria provided, single submitter. Criteria: Invitae Variant Classification Sherloc (09022015). Collection method: clinical testing. Allele origin: germline.
Comment: In summary, the available evidence is currently insufficient to determine the role of this variant in disease. Therefore, it has been classified as a Variant of Uncertain Significance. This variant has been reported to affect STK11 protein function (PMID: 29399144). This variant has been observed in individual(s) with Peutz-Jeghers syndrome (PMID: 29399144). ClinVar contains an entry for this variant (Variation ID: 392308). This variant is not present in population databases (ExAC no frequency). This sequence change replaces leucine with proline at codon 290 of the STK11 protein (p.Leu290Pro). The leucine residue is highly conserved and there is a moderate physicochemical difference between leucine and proline.

Literature cited by the submitters: PubMed 22493416 (cited by Ambry Genetics and Myriad Genetics, Inc.); PubMed 29399144 (cited by 3 submitters); PubMed 34754157 (cited by Myriad Genetics, Inc.).